The following is an entry in ClinVar:

ClinVar aggregate classification (germline): Uncertain significance (1 of 4 stars; one submission).

Conditions:
RASopathy. Also called: rasopathies; Noonan spectrum disorder. Identifiers: Orphanet 536391, MedGen C5555857, MONDO:0021060.

Submission:

Labcorp Genetics (formerly Invitae), Labcorp
Classification: Uncertain significance for RASopathy. Last evaluated: 2022-04-04. Review status: criteria provided, single submitter. Criteria: Invitae Variant Classification Sherloc (09022015). Collection method: clinical testing. Allele origin: germline.
Comment: This sequence change replaces histidine, which is basic and polar, with asparagine, which is neutral and polar, at codon 492 of the SHOC2 protein (p.His492Asn). This variant is not present in population databases (gnomAD no frequency). This variant has not been reported in the literature in individuals affected with SHOC2-related conditions. Algorithms developed to predict the effect of missense changes on protein structure and function (SIFT, PolyPhen-2, Align-GVGD) all suggest that this variant is likely to be tolerated. In summary, the available evidence is currently insufficient to determine the role of this variant in disease. Therefore, it has been classified as a Variant of Uncertain Significance.

NM_007373.4(SHOC2):c.1474C>A (p.His492Asn)

Gene: SHOC2 (SHOC2 leucine rich repeat scaffold protein; plus strand). Cytogenetic location: 10q25.2.
Variant type: single nucleotide variant.
Coding change: c.1474C>A on transcript NM_007373.4 (MANE Select); coding-DNA position 1474, C replaced by A.
Protein change: p.His492Asn; replaces histidine 492 with asparagine.
Molecular consequence: missense variant. On other transcripts: non-coding transcript variant (1).
Genome position (GRCh38, 1-based): chr10:111,009,764, C>A. VCF-style: chr10-111009764-C-A. GRCh37 (hg19) VCF-style: chr10-112769522-C-A.
Other names: c.1336C>A, p.His446Asn (NM_001269039.3); c.1474C>A, p.His492Asn (NM_001324336.2, NM_001324337.2); short protein forms H446N, H492N.
Identifiers: ClinVar variation 2090036 (VCV002090036.4), dbSNP rs1590839490, ClinGen allele CA378524672.